The following is an entry in ClinVar:

NM_000548.5(TSC2):c.4989G>T (p.Lys1663Asn)

Gene: TSC2 (TSC complex subunit 2; plus strand). Cytogenetic location: 16p13.3.
Variant type: single nucleotide variant.
Coding change: c.4989G>T on transcript NM_000548.5 (MANE Select); coding-DNA position 4989, G replaced by T.
Protein change: p.Lys1663Asn; replaces lysine 1663 with asparagine.
Molecular consequence: missense variant. On other transcripts: non-coding transcript variant (5).
Genome position (GRCh38, 1-based): chr16:2,086,871, G>T. VCF-style: chr16-2086871-G-T. GRCh37 (hg19) VCF-style: chr16-2136872-G-T.
Other names: c.4320G>T, p.Lys1440Asn (NM_001406683.1, NM_001406682.1); c.4317G>T, p.Lys1439Asn (NM_001406684.1); c.4191G>T, p.Lys1397Asn (NM_001406685.1, NM_001406686.1); c.4188G>T, p.Lys1396Asn (NM_001406687.1, NM_001406688.1); c.3576G>T, p.Lys1192Asn (NM_001406689.1); c.3516G>T, p.Lys1172Asn (NM_001406690.1); c.3513G>T, p.Lys1171Asn (NM_001406691.1); c.3447G>T, p.Lys1149Asn (NM_001406692.1, NM_001406693.1, NM_001406694.1); and 26 more; short protein forms K1062N, K1148N, K1149N, K1171N, K1172N, K1192N, K1396N, K1397N.
Identifiers: ClinVar variation 4070736 (VCV004070736.2).

ClinVar aggregate classification (germline): Likely pathogenic (1 of 4 stars; one submission).

Submission:

GeneDx
Classification: Likely pathogenic. Last evaluated: 2026-05-20. Review status: criteria provided, single submitter. Criteria: GeneDx Variant Classification Process June 2021. Collection method: clinical testing. Allele origin: germline.
Comment: RNA studies demonstrate a damaging effect by p.(K1663N) creating aberrant transcripts that are presumably targeted by nonsense mediated decay (LabCorp); Not observed at significant frequency in large population cohorts (gnomAD); In silico analysis supports that this missense variant has a deleterious effect on protein structure/function; In silico analysis supports a deleterious effect on splicing; Has not been previously published as pathogenic or benign to our knowledge; This variant is associated with the following publications: (PMID: 18466115)